The following is an entry in ClinVar:

NM_016203.4(PRKAG2):c.1584+8G>A

Gene: PRKAG2 (protein kinase AMP-activated non-catalytic subunit gamma 2; minus strand). Cytogenetic location: 7q36.1.
Variant type: single nucleotide variant.
Coding change: c.1584+8G>A on transcript NM_016203.4 (MANE Select); 8 bases into the intron after coding-DNA position 1584, G replaced by A.
Molecular consequence: intron variant.
Genome position (GRCh38, 1-based): chr7:151,564,070, C>T on the plus strand (G>A on the coding strand, the complement: PRKAG2 is on the minus strand). VCF-style: chr7-151564070-C-T. GRCh37 (hg19) VCF-style: chr7-151261156-C-T.
Other names: c.1452+8G>A (NM_001040633.2); c.1209+8G>A (NM_001304527.2); c.1212+8G>A (NM_001363698.2); c.861+8G>A (NM_001304531.2, NM_024429.2).
Identifiers: ClinVar variation 465341 (VCV000465341.41), dbSNP rs762649633, ClinGen allele CA055452.

ClinVar aggregate classification (germline): Conflicting classifications of pathogenicity. Review status: criteria provided, conflicting classifications (1 of 4 stars). 5 submissions from 5 submitters: Uncertain significance (1); Likely benign (4). Last evaluated 2025-11-06.

Conditions:
Lethal congenital glycogen storage disease of heart. Also called: PHOSPHORYLASE KINASE DEFICIENCY OF HEART; GLYCOGEN STORAGE DISEASE OF HEART. Identifiers: Orphanet 439854, MedGen C1849813, MONDO:0009867, OMIM 261740.
Cardiomyopathy (CMYO). Also called: Cardiomyopathies. Identifiers: Orphanet 167848, MedGen C0878544, MONDO:0004994, HP:0001638. Inheritance: Various modes of inheritance.

Allele frequency attached by ClinVar (database versions not stated): gnomAD exomes 0.00001 and 0.00002; ExAC 0.00002; TOPMed 0.00002; gnomAD 0.00003.
gnomAD v4.1: 14 of 1,613,792 alleles (0.00087%); highest among the groups gnomAD compares: South Asian, 0.0066%; no homozygotes.

Submissions (5):

Labcorp Genetics (formerly Invitae), Labcorp
Classification: Likely benign for Lethal congenital glycogen storage disease of heart. Last evaluated: 2025-11-06. Review status: criteria provided, single submitter. Criteria: Invitae Variant Classification Sherloc (09022015). Collection method: clinical testing. Allele origin: germline.

Women's Health and Genetics/Laboratory Corporation of America, LabCorp
Classification: Likely benign. Last evaluated: 2025-04-28. Review status: criteria provided, single submitter. Criteria: LabCorp Variant Classification Summary - May 2015. Collection method: clinical testing. Allele origin: germline.

ARUP Laboratories, Molecular Genetics and Genomics, ARUP Laboratories
Classification: Likely benign. Last evaluated: 2024-09-16. Review status: criteria provided, single submitter. Criteria: ARUP Molecular Germline Variant Investigation Process 2024. Collection method: clinical testing. Allele origin: germline.

CeGaT Center for Human Genetics Tuebingen
Classification: Likely benign. Last evaluated: 2023-07-01. Review status: criteria provided, single submitter. Criteria: CeGaT Center For Human Genetics Tuebingen Variant Classification Criteria Version 2. Collection method: clinical testing. Allele origin: germline. Affected: yes. Observed: 1 variant allele.
Comment: PRKAG2: BP4

CHEO Genetics Diagnostic Laboratory, Children's Hospital of Eastern Ontario
Classification: Uncertain significance for Cardiomyopathy. Last evaluated: 2020-09-11. Review status: criteria provided, single submitter. Criteria: ACMG Guidelines, 2015. Collection method: clinical testing. Allele origin: germline.